The following is an entry in ClinVar:

NM_000719.7(CACNA1C):c.1716C>T (p.Leu572=)

Gene: CACNA1C (calcium voltage-gated channel subunit alpha1 C; plus strand). Cytogenetic location: 12p13.33.
Variant type: single nucleotide variant.
Coding change: c.1716C>T on transcript NM_000719.7 (MANE Select); coding-DNA position 1716, C replaced by T.
Protein change: p.Leu572=; no amino-acid change (leucine 572 retained).
Molecular consequence: synonymous variant.
Genome position (GRCh38, 1-based): chr12:2,567,615, C>T. VCF-style: chr12-2567615-C-T. GRCh37 (hg19) VCF-style: chr12-2676781-C-T.
Other names: c.1716C>T, p.Leu572= (NM_001129827.2, NM_001129829.2, NM_001129830.3 and 18 more transcripts); c.1707C>T, p.Leu569= (NM_001129844.2).
Identifiers: ClinVar variation 517100 (VCV000517100.14), dbSNP rs745728974, ClinGen allele CA6388846.

ClinVar aggregate classification (germline): Likely benign. Review status: criteria provided, multiple submitters, no conflicts (2 of 4 stars). 3 submissions from 3 submitters: Likely benign (3). Last evaluated 2024-02-25.

Conditions:
Cardiovascular phenotype. Identifiers: MedGen CN230736.
Long QT syndrome (LQTS). Identifiers: MedGen C0023976, MeSH D008133, MONDO:0002442. Disease mechanism: loss of function. Inheritance: Various modes of inheritance.

Allele frequency attached by ClinVar (database versions not stated): gnomAD exomes 0.00002 and 0.00004; ExAC 0.00004; gnomAD 0.00001; TOPMed 0.00002.
gnomAD v4.1: 57 of 1,608,322 alleles (0.0035%); highest among the groups gnomAD compares: East Asian, 0.0089%; no homozygotes.

Submissions (3):

Labcorp Genetics (formerly Invitae), Labcorp
Classification: Likely benign for Long QT syndrome. Last evaluated: 2024-02-25. Review status: criteria provided, single submitter. Criteria: Invitae Variant Classification Sherloc (09022015). Collection method: clinical testing. Allele origin: germline.

Ambry Genetics
Classification: Likely benign for Cardiovascular phenotype. Last evaluated: 2020-06-22. Review status: criteria provided, single submitter. Criteria: Ambry Variant Classification Scheme 2023. Collection method: clinical testing. Allele origin: germline.

GeneDx
Classification: Likely benign. Last evaluated: 2017-03-23. Review status: criteria provided, single submitter. Criteria: GeneDx Variant Classification (06012015). Collection method: clinical testing. Allele origin: germline. Affected: yes.
Comment: This variant is considered likely benign or benign based on one or more of the following criteria: it is a conservative change, it occurs at a poorly conserved position in the protein, it is predicted to be benign by multiple in silico algorithms, and/or has population frequency not consistent with disease.